The following is an entry in ClinVar:

ClinVar aggregate classification (germline): Uncertain significance. Review status: criteria provided, multiple submitters, no conflicts (2 of 4 stars). 5 submissions from 5 submitters: Uncertain significance (5). Last evaluated 2026-02-04.

Conditions:
Hereditary cancer-predisposing syndrome. Also called: Hereditary Cancer Syndrome; Neoplastic Syndromes, Hereditary; Tumor predisposition; Hereditary neoplastic syndrome. Identifiers: Orphanet 140162, MedGen C0027672, MeSH D009386, MONDO:0015356.
Multiple endocrine neoplasia, type 1 (MEN1). Also called: MEN I; WERMER SYNDROME; Endocrine adenomatosis multiple; MEN 1; MEA I. Identifiers: Orphanet 652, MedGen C0025267, MeSH D018761, MONDO:0007540, OMIM 131100.

Allele frequency attached by ClinVar (database versions not stated): ExAC below 0.00001; gnomAD exomes below 0.00001.

Submissions (5):

Ambry Genetics
Classification: Uncertain significance for Hereditary cancer-predisposing syndrome. Last evaluated: 2026-02-04. Review status: criteria provided, single submitter. Criteria: Ambry Variant Classification Scheme 2023. Collection method: clinical testing. Allele origin: germline.
Comment: The p.R476Q variant (also known as c.1427G>A), located in coding exon 9 of the MEN1 gene, results from a G to A substitution at nucleotide position 1427. The arginine at codon 476 is replaced by glutamine, an amino acid with highly similar properties. This amino acid position is highly conserved in available vertebrate species. In addition, the in silico prediction for this alteration is inconclusive. Based on the available evidence, the clinical significance of this variant remains unclear.

Labcorp Genetics (formerly Invitae), Labcorp
Classification: Uncertain significance for Multiple endocrine neoplasia, type 1. Last evaluated: 2024-11-11. Review status: criteria provided, single submitter. Criteria: Invitae Variant Classification Sherloc (09022015). Collection method: clinical testing. Allele origin: germline.
Comment: This sequence change replaces arginine, which is basic and polar, with glutamine, which is neutral and polar, at codon 476 of the MEN1 protein (p.Arg476Gln). This variant is present in population databases (rs753185026, gnomAD 0.001%). This variant has not been reported in the literature in individuals affected with MEN1-related conditions. ClinVar contains an entry for this variant (Variation ID: 1006845). Invitae Evidence Modeling of protein sequence and biophysical properties (such as structural, functional, and spatial information, amino acid conservation, physicochemical variation, residue mobility, and thermodynamic stability) has been performed for this missense variant. However, the output from this modeling did not meet the statistical confidence thresholds required to predict the impact of this variant on MEN1 protein function. In summary, the available evidence is currently insufficient to determine the role of this variant in disease. Therefore, it has been classified as a Variant of Uncertain Significance.

All of Us Research Program, National Institutes of Health
Classification: Uncertain significance for Multiple endocrine neoplasia, type 1. Last evaluated: 2024-02-22. Review status: criteria provided, single submitter. Criteria: ACMG Guidelines, 2015. Collection method: clinical testing. Allele origin: germline. Inheritance: Autosomal dominant inheritance. Observed: 1 variant allele, 1 heterozygote.
Comment: This missense variant replaces arginine with glutamine at codon 476 of the MEN1 protein. Computational prediction is inconclusive regarding the impact of this variant on protein structure and function. To our knowledge, functional studies have not been reported for this variant. This variant has not been reported in individuals affected with MEN1-related disorders in the literature. This variant has been identified in 1/225462 chromosomes in the general population by the Genome Aggregation Database (gnomAD). The available evidence is insufficient to determine the role of this variant in disease conclusively. Therefore, this variant is classified as a Variant of Uncertain Significance.

This study involves interpretation of variants in research participants for the purpose of population health screening. Participant phenotype was not available at the time of variant classification. Additional details can be found in publication PMID: 35346344, PMCID: PMC8962531

Color Diagnostics, LLC DBA Color Health
Classification: Uncertain significance for Multiple endocrine neoplasia, type 1. Last evaluated: 2024-02-02. Review status: criteria provided, single submitter. Criteria: ACMG Guidelines, 2015. Collection method: clinical testing. Allele origin: germline.
Comment: This missense variant replaces arginine with glutamine at codon 476 of the MEN1 protein. Computational prediction is inconclusive regarding the impact of this variant on protein structure and function. To our knowledge, functional studies have not been reported for this variant. This variant has not been reported in individuals affected with MEN1-related disorders in the literature. This variant has been identified in 1/225462 chromosomes in the general population by the Genome Aggregation Database (gnomAD). The available evidence is insufficient to determine the role of this variant in disease conclusively. Therefore, this variant is classified as a Variant of Uncertain Significance.

Baylor Genetics
Classification: Uncertain significance for Multiple Endocrine Neoplasia Type 1. Last evaluated: 2023-09-20. Review status: criteria provided, single submitter. Criteria: ACMG Guidelines, 2015. Collection method: clinical testing. Allele origin: unknown.

NM_001370259.2(MEN1):c.1427G>A (p.Arg476Gln)

Gene: MEN1 (menin 1; minus strand). Cytogenetic location: 11q13.1.
Variant type: single nucleotide variant.
Coding change: c.1427G>A on transcript NM_001370259.2 (MANE Select); coding-DNA position 1427, G replaced by A.
Protein change: p.Arg476Gln; replaces arginine 476 with glutamine.
Molecular consequence: missense variant.
Genome position (GRCh38, 1-based): chr11:64,804,740, C>T on the plus strand (G>A on the coding strand, the complement: MEN1 is on the minus strand). VCF-style: chr11-64804740-C-T. GRCh37 (hg19) VCF-style: chr11-64572212-C-T.
Other names: c.1442G>A, p.Arg481Gln (NM_000244.4, NM_130800.3, NM_130801.3 and 3 more transcripts); c.1553G>A, p.Arg518Gln (NM_001370251.2); c.1427G>A, p.Arg476Gln (NM_001370260.2, NM_001370261.2, NM_130799.3); c.1322G>A, p.Arg441Gln (NM_001370262.2, NM_001370263.2); c.1427G>A (NM_130799.2); short protein forms R441Q, R476Q, R481Q, R518Q.
Identifiers: ClinVar variation 1006845 (VCV001006845.11), dbSNP rs753185026, ClinGen allele CA060653.